The following is an entry in ClinVar:

NM_001366282.2(GOLGB1):c.2712G>A (p.Lys904=)

Gene: GOLGB1 (golgin B1; minus strand). Cytogenetic location: 3q13.33.
Variant type: single nucleotide variant.
Coding change: c.2712G>A on transcript NM_001366282.2 (MANE Select); coding-DNA position 2712, G replaced by A.
Protein change: p.Lys904=; no amino-acid change (lysine 904 retained).
Molecular consequence: synonymous variant.
Genome position (GRCh38, 1-based): chr3:121,697,811, C>T on the plus strand (G>A on the coding strand, the complement: GOLGB1 is on the minus strand). VCF-style: chr3-121697811-C-T. GRCh37 (hg19) VCF-style: chr3-121416658-C-T.
Other names: c.2712G>A, p.Lys904= (NM_001256486.2); c.2595G>A, p.Lys865= (NM_001256487.2); c.2472G>A, p.Lys824= (NM_001256488.2, NM_001366284.2); c.2589G>A, p.Lys863= (NM_001366283.2); c.2577G>A, p.Lys859= (NM_001389631.1); c.2697G>A, p.Lys899= (NM_004487.5).
Identifiers: ClinVar variation 2654072 (VCV002654072.24), dbSNP rs373000938, ClinGen allele CA2566442.

ClinVar aggregate classification (germline): Likely benign (1 of 4 stars; one submission).

Allele frequency attached by ClinVar (database versions not stated): ExAC 0.00002; TOPMed 0.00003; gnomAD 0.00005; gnomAD exomes 0.00006; ESP Exome Variant Server 0.00008.
gnomAD v4.1: 90 of 1,613,888 alleles (0.0056%); highest among the groups gnomAD compares: Non-Finnish European, 0.0075%; no homozygotes.

Submission:

CeGaT Center for Human Genetics Tuebingen
Classification: Likely benign. Last evaluated: 2022-09-01. Review status: criteria provided, single submitter. Criteria: CeGaT Center For Human Genetics Tuebingen Variant Classification Criteria Version 2. Collection method: clinical testing. Allele origin: germline. Affected: yes. Observed: 1 variant allele.
Comment: GOLGB1: BP4, BP7